The following is an entry in ClinVar:

ClinVar aggregate classification (germline): Uncertain significance (1 of 4 stars; one submission).

Submission:

Labcorp Genetics (formerly Invitae), Labcorp
Classification: Uncertain significance. Last evaluated: 2023-10-29. Review status: criteria provided, single submitter. Criteria: Invitae Variant Classification Sherloc (09022015). Collection method: clinical testing. Allele origin: germline.
Comment: This sequence change replaces alanine, which is neutral and non-polar, with threonine, which is neutral and polar, at codon 97 of the EFEMP1 protein (p.Ala97Thr). This variant is not present in population databases (gnomAD no frequency). This variant has not been reported in the literature in individuals affected with EFEMP1-related conditions. ClinVar contains an entry for this variant (Variation ID: 1940547). Algorithms developed to predict the effect of missense changes on protein structure and function output the following: SIFT: "Not Available"; PolyPhen-2: "Benign"; Align-GVGD: "Not Available". The threonine amino acid residue is found in multiple mammalian species, which suggests that this missense change does not adversely affect protein function. In summary, the available evidence is currently insufficient to determine the role of this variant in disease. Therefore, it has been classified as a Variant of Uncertain Significance.

NM_001039348.3(EFEMP1):c.289G>A (p.Ala97Thr)

Gene: EFEMP1 (EGF-like fibulin extracellular matrix protein 1; minus strand). Cytogenetic location: 2p16.1.
Variant type: single nucleotide variant.
Coding change: c.289G>A on transcript NM_001039348.3 (MANE Select); coding-DNA position 289, G replaced by A.
Protein change: p.Ala97Thr; replaces alanine 97 with threonine.
Molecular consequence: missense variant.
Genome position (GRCh38, 1-based): chr2:55,917,893, C>T on the plus strand (G>A on the coding strand, the complement: EFEMP1 is on the minus strand). VCF-style: chr2-55917893-C-T. GRCh37 (hg19) VCF-style: chr2-56145028-C-T.
Other names: c.289G>A, p.Ala97Thr (NM_001039349.3); short protein forms A97T.
Identifiers: ClinVar variation 1940547 (VCV001940547.5), dbSNP rs2465837468, ClinGen allele CA347026770.